The following is an entry in ClinVar:

ClinVar aggregate classification (germline): Benign/Likely benign. Review status: criteria provided, multiple submitters, no conflicts (2 of 4 stars). 5 submissions from 5 submitters: Benign (1); Likely benign (1). 3 of the submissions do not count toward it. Last evaluated 2026-04-01.

Conditions:
TRAP1-related disorder. Also called: TRAP1-related condition.
Congenital anomaly of kidney and urinary tract. Also called: Congenital anomalies of kidney and urinary tract; Congenital anomalies of the kidney and urinary tract. Identifiers: Orphanet 93545, MedGen C1968949, MeSH C566906, MONDO:0019719.

Allele frequency attached by ClinVar (database versions not stated): 1000 Genomes Project 30x 0.00219; 1000 Genomes Project 0.00260; TOPMed 0.00485; ESP Exome Variant Server 0.00531; gnomAD 0.00740.
gnomAD v4.1: 11,408 of 1,611,828 alleles (0.71%); highest among the groups gnomAD compares: Non-Finnish European, 0.83%; 85 homozygotes.

Submissions (5):

CeGaT Center for Human Genetics Tuebingen
Classification: Likely benign. Last evaluated: 2026-04-01. Review status: criteria provided, single submitter. Criteria: CeGaT Center For Human Genetics Tuebingen Variant Classification Criteria Version 2. Collection method: clinical testing. Allele origin: germline. Affected: yes. Observed: 11 variant alleles.
Comment: TRAP1: BS2; DNASE1: BS1

Labcorp Genetics (formerly Invitae), Labcorp
Classification: Benign. Last evaluated: 2026-01-19. Review status: criteria provided, single submitter. Criteria: Invitae Variant Classification Sherloc (09022015). Collection method: clinical testing. Allele origin: germline.

PreventionGenetics, part of Exact Sciences
Classification: Likely benign for TRAP1-related condition. Last evaluated: 2021-01-27. Review status: no assertion criteria provided. Collection method: clinical testing. Allele origin: germline. Not counted in ClinVar's aggregate classification.
Comment: This variant is classified as likely benign based on ACMG/AMP sequence variant interpretation guidelines (Richards et al. 2015 PMID: 25741868, with internal and published modifications).

Yale Center for Mendelian Genomics, Yale University
Classification: Pathogenic for Congenital anomaly of kidney and urinary tract. Last evaluated: 2018-08-24. Review status: no assertion criteria provided. Collection method: literature only. Allele origin: germline. Affected: yes. Observed: 1 homozygote. Study: Yale Center for Mendelian Genomics. Not counted in ClinVar's aggregate classification.

Mayo Clinic Laboratories, Mayo Clinic
Classification: Uncertain significance. Last evaluated: 2016-02-19. Review status: no assertion criteria provided. Collection method: clinical testing. Allele origin: unknown. Not counted in ClinVar's aggregate classification.

Literature cited by the submitters: PubMed 30143558 (cited by Yale Center for Mendelian Genomics, Yale University).

NM_016292.3(TRAP1):c.1406G>A (p.Arg469His)

Genes: DNASE1 (deoxyribonuclease 1; plus strand), TRAP1 (TNF receptor associated protein 1; minus strand). Cytogenetic location: 16p13.3.
Variant type: single nucleotide variant.
Coding change: c.1406G>A on transcript NM_016292.3 (MANE Select); coding-DNA position 1406, G replaced by A.
Protein change: p.Arg469His; replaces arginine 469 with histidine.
Molecular consequence: missense variant.
Genome position (GRCh38, 1-based): chr16:3,664,437, C>T on the plus strand (G>A on the coding strand, the complement: TRAP1 is on the minus strand). VCF-style: chr16-3664437-C-T. GRCh37 (hg19) VCF-style: chr16-3714438-C-T.
Other names: c.1247G>A, p.Arg416His (NM_001272049.2); short protein forms R469H, R416H.
Identifiers: ClinVar variation 559147 (VCV000559147.54), dbSNP rs144787542, ClinGen allele CA7868095.